The following is an entry in ClinVar:

NM_024685.4(BBS10):c.894_897dup (p.His300fs)

Gene: BBS10 (Bardet-Biedl syndrome 10; minus strand). Cytogenetic location: 12q21.2.
Variant type: Duplication.
Coding change: c.894_897dup on transcript NM_024685.4 (MANE Select); coding-DNA positions 894 to 897, 4 bases duplicated (GAAA; older notation c.894_897dupGAAA).
Protein change: p.His300fs; shifts the reading frame from histidine 300.
Molecular consequence: frameshift variant.
Genome position (GRCh38, 1-based): chr12:76,347,088-76,347,091, TTTC duplicated on the plus strand (GAAA on the coding strand, the reverse complement: BBS10 is on the minus strand). VCF-style (leftmost placement, unchanged base first): chr12-76347087-G-GTTTC. GRCh37 (hg19) VCF-style: chr12-76740867-G-GTTTC.
Other names: short protein forms H300fs.
Identifiers: ClinVar variation 2905771 (VCV002905771.3), dbSNP rs1427113333, ClinGen allele CA691960149.
Genomic context (GRCh38, chr12:76,347,087, plus strand): 5'-TAACTAAATCTGGTTGTTTCACACTAGATATGAGCAATTTTACATTCTGACTATGTAGAT[G>GTTTC]TTTCATTATTGCTTTTGTCTTTTCCATAATCCAAAATTGAGATGTCTGAAACTGTGCTTC-3'

ClinVar aggregate classification (germline): Pathogenic (1 of 4 stars; one submission).

Conditions:
Bardet-Biedl syndrome (BBS). Identifiers: Orphanet 110, MedGen C0752166, MONDO:0015229.

Submission:

Labcorp Genetics (formerly Invitae), Labcorp
Classification: Pathogenic for Bardet-Biedl syndrome. Last evaluated: 2023-07-10. Review status: criteria provided, single submitter. Criteria: Invitae Variant Classification Sherloc (09022015). Collection method: clinical testing. Allele origin: germline.
Comment: This variant disrupts a region of the BBS10 protein in which other variant(s) (p.Val707*) have been determined to be pathogenic (PMID: 20472660, 22773737, 25982971, 27486776). This suggests that this is a clinically significant region of the protein, and that variants that disrupt it are likely to be disease-causing. For these reasons, this variant has been classified as Pathogenic. This variant has not been reported in the literature in individuals affected with BBS10-related conditions. This variant is not present in population databases (gnomAD no frequency). This sequence change creates a premature translational stop signal (p.His300Glufs*5) in the BBS10 gene. While this is not anticipated to result in nonsense mediated decay, it is expected to disrupt the last 424 amino acid(s) of the BBS10 protein.

Literature cited by the submitters: PubMed 20472660; PubMed 22773737; PubMed 25982971; PubMed 27486776.